The following is an entry in ClinVar:

ClinVar aggregate classification (germline): Uncertain significance. Review status: criteria provided, multiple submitters, no conflicts (2 of 4 stars). 3 submissions from 3 submitters: Uncertain significance (3). Last evaluated 2025-12-08.

Conditions:
Hereditary cancer-predisposing syndrome. Also called: Neoplastic Syndromes, Hereditary; Tumor predisposition; Hereditary Cancer Syndrome; Hereditary neoplastic syndrome. Identifiers: Orphanet 140162, MedGen C0027672, MeSH D009386, MONDO:0015356.
Ataxia-telangiectasia syndrome (AT). Also called: LOUIS-BAR SYNDROME; Cerebello-oculocutaneous telangiectasia; Immunodeficiency with ataxia telangiectasia; Ataxia-telangiectasia, complementation group D; AT, COMPLEMENTATION GROUP C; ATAXIA-TELANGIECTASIA, COMPLEMENTATION GROUP A. Identifiers: Orphanet 100, MedGen C0004135, MONDO:0008840, OMIM 208900.

Submissions (3):

Labcorp Genetics (formerly Invitae), Labcorp
Classification: Uncertain significance for Ataxia-telangiectasia syndrome. Last evaluated: 2025-12-08. Review status: criteria provided, single submitter. Criteria: Invitae Variant Classification Sherloc (09022015). Collection method: clinical testing. Allele origin: germline.
Comment: This sequence change replaces methionine, which is neutral and non-polar, with valine, which is neutral and non-polar, at codon 1087 of the ATM protein (p.Met1087Val). This variant is not present in population databases (gnomAD no frequency). This variant has not been reported in the literature in individuals affected with ATM-related conditions. ClinVar contains an entry for this variant (Variation ID: 1729496). Invitae Evidence Modeling of protein sequence and biophysical properties (such as structural, functional, and spatial information, amino acid conservation, physicochemical variation, residue mobility, and thermodynamic stability) indicates that this missense variant is not expected to disrupt ATM protein function with a negative predictive value of 95%. In summary, the available evidence is currently insufficient to determine the role of this variant in disease. Therefore, it has been classified as a Variant of Uncertain Significance.

Color Diagnostics, LLC DBA Color Health
Classification: Uncertain significance for Hereditary cancer-predisposing syndrome. Last evaluated: 2024-01-28. Review status: criteria provided, single submitter. Criteria: ACMG Guidelines, 2015. Collection method: clinical testing. Allele origin: germline.
Comment: This missense variant replaces methionine with valine at codon 1087 of the ATM protein. Computational prediction suggests that this variant may not impact protein structure and function (internally defined REVEL score threshold <= 0.5, PMID: 27666373). To our knowledge, functional studies have not been reported for this variant. This variant has not been reported in individuals affected with ATM-related disorders in the literature. This variant has not been identified in the general population by the Genome Aggregation Database (gnomAD). The available evidence is insufficient to determine the role of this variant in disease conclusively. Therefore, this variant is classified as a Variant of Uncertain Significance.

Ambry Genetics
Classification: Uncertain significance for Hereditary cancer-predisposing syndrome. Last evaluated: 2022-01-31. Review status: criteria provided, single submitter. Criteria: Ambry Variant Classification Scheme 2023. Collection method: clinical testing. Allele origin: germline.
Comment: The p.M1087V variant (also known as c.3259A>G), located in coding exon 21 of the ATM gene, results from an A to G substitution at nucleotide position 3259. The methionine at codon 1087 is replaced by valine, an amino acid with highly similar properties. This amino acid position is well conserved in available vertebrate species. In addition, the in silico prediction for this alteration is inconclusive. Since supporting evidence is limited at this time, the clinical significance of this alteration remains unclear.

NM_000051.4(ATM):c.3259A>G (p.Met1087Val)

Gene: ATM (ATM serine/threonine kinase; plus strand). Cytogenetic location: 11q22.3.
Variant type: single nucleotide variant.
Coding change: c.3259A>G on transcript NM_000051.4 (MANE Select); coding-DNA position 3259, A replaced by G.
Protein change: p.Met1087Val; replaces methionine 1087 with valine.
Molecular consequence: missense variant.
Genome position (GRCh38, 1-based): chr11:108,272,827, A>G. VCF-style: chr11-108272827-A-G. GRCh37 (hg19) VCF-style: chr11-108143554-A-G.
Other names: c.3259A>G, p.Met1087Val (NM_001351834.2); short protein forms M1087V.
Identifiers: ClinVar variation 1729496 (VCV001729496.6), dbSNP rs750140469, ClinGen allele CA228357995.